The following is an entry in ClinVar:

ClinVar aggregate classification (germline): Benign. Review status: criteria provided, multiple submitters, no conflicts (2 of 4 stars). 6 submissions from 6 submitters: Benign (6). Last evaluated 2026-02-04.

Conditions:
Loeys-Dietz syndrome 2 (LDS2). Also called: TGFBR2-Related Loeys-Dietz Syndrome; Marfan Syndrome type 2; Marfan like connective tissue disorder; MFS 2; AORTIC ANEURYSM, FAMILIAL THORACIC 3; MARFAN SYNDROME, TYPE II. Identifiers: Orphanet 284973, Orphanet 558, MedGen C2674574, MONDO:0012427, OMIM 610168.

Allele frequency attached by ClinVar (database versions not stated): 1000 Genomes Project 30x 0.05731; 1000 Genomes Project 0.05891; TOPMed 0.06279; gnomAD 0.06758 and 0.07032; ESP Exome Variant Server 0.07112; gnomAD exomes 0.08543; ExAC 0.08752.
gnomAD v4.1: 147,612 of 1,608,298 alleles (9.2%); highest among the groups gnomAD compares: South Asian, 16%; 7,749 homozygotes.

Submissions (6):

Labcorp Genetics (formerly Invitae), Labcorp
Classification: Benign for Loeys-Dietz syndrome 2. Last evaluated: 2026-02-04. Review status: criteria provided, single submitter. Criteria: Invitae Variant Classification Sherloc (09022015). Collection method: clinical testing. Allele origin: germline.

Ambry Genetics
Classification: Benign. Last evaluated: 2015-06-12. Review status: criteria provided, single submitter. Criteria: Ambry Variant Classification Scheme 2023. Collection method: clinical testing. Allele origin: germline.

GeneDx
Classification: Benign. Last evaluated: 2013-11-22. Review status: criteria provided, single submitter. Criteria: GeneDx Variant Classification (06012015). Collection method: clinical testing. Allele origin: germline. Affected: yes.
Comment: This variant is considered likely benign or benign based on one or more of the following criteria: it is a conservative change, it occurs at a poorly conserved position in the protein, it is predicted to be benign by multiple in silico algorithms, and/or has population frequency not consistent with disease.

Biesecker Lab/Clinical Genomics Section, National Institutes of Health
Classification: Benign. Last evaluated: 2013-06-24. Review status: criteria provided, single submitter. Criteria: Ng et al. (Circ Cardiovasc Genet. 2013). Collection method: research. Allele origin: unknown. Observed: 158 variant alleles. Study: ClinSeq.
Comment: The study set was not selected for affection status in relation to any cancer. Pathogenicity categories were based on literature curation. See Pubmed ID:23861362 for details.

Medical sequencing

Laboratory for Molecular Medicine, Mass General Brigham Personalized Medicine
Classification: Benign. Last evaluated: 2012-03-19. Review status: criteria provided, single submitter. Criteria: LMM Criteria. Collection method: clinical testing. Allele origin: germline. Observed: 174 variant alleles.
Comment: p.Gln599Glu in Exon 04 of TMPO: This variant is not expected to have clinical si gnificance because it has been identified in 9.6% (672/7020) of European America n chromosomes from a broad population by the NHLBI Exome Sequencing Project (dbSNP rs17459334).

Breakthrough Genomics
Classification: Benign. Review status: criteria provided, single submitter. Criteria: ACMG Guidelines, 2015. Collection method: not provided. Allele origin: germline. Inheritance: Unknown mechanism. Affected: yes.

NM_001032283.3(TMPO):c.565+2214C>G

Gene: TMPO (thymopoietin; plus strand). Cytogenetic location: 12q23.1.
Variant type: single nucleotide variant.
Coding change: c.565+2214C>G on transcript NM_001032283.3 (MANE Select); 2214 bases into the intron after coding-DNA position 565, C replaced by G.
Molecular consequence: intron variant. On other transcripts: missense variant (1).
Genome position (GRCh38, 1-based): chr12:98,534,052, C>G. VCF-style: chr12-98534052-C-G. GRCh37 (hg19) VCF-style: chr12-98927830-C-G.
Other names: p.Q599E:CAA>GAA; c.1795C>G, p.Gln599Glu (NM_003276.2); c.565+2214C>G (NM_001307975.2, NM_001032284.3); short protein forms Q599E.
Identifiers: ClinVar variation 44667 (VCV000044667.19), dbSNP rs17459334, ClinGen allele CA282433.
Genomic context (GRCh38, chr12:98,534,052, plus strand): 5'-GCATTGCAGATTGCAACTCACACTGCCTTTGTAGCTAAGGCTATGCAGGCAGACATTAGT[C>G]AAGCTGCACAGATTCTTAGCTCAGATCCTAGTCGTACCCACCAAGCGCTTGGGATTCTGA-3'